The following is an entry in ClinVar:

NM_000180.4(GUCY2D):c.219G>A (p.Pro73=)

Gene: GUCY2D (guanylate cyclase 2D, retinal; plus strand). Cytogenetic location: 17p13.1.
Variant type: single nucleotide variant.
Coding change: c.219G>A on transcript NM_000180.4 (MANE Select); coding-DNA position 219, G replaced by A.
Protein change: p.Pro73=; no amino-acid change (proline 73 retained).
Molecular consequence: synonymous variant.
Genome position (GRCh38, 1-based): chr17:8,003,266, G>A. VCF-style: chr17-8003266-G-A. GRCh37 (hg19) VCF-style: chr17-7906584-G-A.
Other names: c.219G>A (NM_000180.3).
Identifiers: ClinVar variation 1349830 (VCV001349830.9), dbSNP rs1324115702, ClinGen allele CA497952912.

ClinVar aggregate classification (germline): Likely benign. Review status: criteria provided, single submitter (1 of 4 stars). 2 submissions from 2 submitters: Likely benign (1). 1 of the submissions does not count toward it. Last evaluated 2024-03-13.

Conditions:
GUCY2D-related disorder. Also called: GUCY2D-related condition.
Cone-rod dystrophy 6 (CORD6). Also called: RETINAL CONE DYSTROPHY 2; Cone dystrophy progressive. Identifiers: Orphanet 1872, MedGen C1866293, MONDO:0011143, OMIM 601777.
Leber congenital amaurosis 1 (LCA1). Also called: RETINAL BLINDNESS, CONGENITAL; AMAUROSIS CONGENITA OF LEBER I; Congenital absence of the rods and cones; Leber's congenital tapetoretinal degeneration; Leber's congenital tapetoretinal dysplasia. Identifiers: Orphanet 65, MedGen C2931258, MONDO:0008764, OMIM 204000.

Allele frequency attached by ClinVar (database versions not stated): gnomAD exomes 0.00002; TOPMed 0.00005; gnomAD 0.00006.
gnomAD v4.1: 43 of 1,501,266 alleles (0.0029%); highest among the groups gnomAD compares: African/African-American, 0.017%; no homozygotes.

Submissions (2):

Labcorp Genetics (formerly Invitae), Labcorp
Classification: Likely benign for Leber congenital amaurosis 1; Cone-rod dystrophy 6. Last evaluated: 2024-03-13. Review status: criteria provided, single submitter. Criteria: Invitae Variant Classification Sherloc (09022015). Collection method: clinical testing. Allele origin: germline.

PreventionGenetics, part of Exact Sciences
Classification: Likely benign for GUCY2D-related condition. Last evaluated: 2019-03-26. Review status: no assertion criteria provided. Collection method: clinical testing. Allele origin: germline. Not counted in ClinVar's aggregate classification.
Comment: This variant is classified as likely benign based on ACMG/AMP sequence variant interpretation guidelines (Richards et al. 2015 PMID: 25741868, with internal and published modifications).